The following is an entry in ClinVar:

ClinVar aggregate classification (germline): Uncertain significance. Review status: criteria provided, multiple submitters, no conflicts (2 of 4 stars). 2 submissions from 2 submitters: Uncertain significance (2). Last evaluated 2023-10-10.

Conditions:
CLDN1-related disorder. Also called: CLDN1-related condition.

Allele frequency attached by ClinVar (database versions not stated): ExAC 0.00002; gnomAD exomes 0.00002; TOPMed 0.00002; gnomAD 0.00003; ESP Exome Variant Server 0.00008.
gnomAD v4.1: 36 of 1,614,180 alleles (0.0022%); highest among the groups gnomAD compares: Middle Eastern, 0.016%; no homozygotes.

Submissions (2):

PreventionGenetics, part of Exact Sciences
Classification: Uncertain significance for CLDN1-related condition. Last evaluated: 2023-10-10. Review status: criteria provided, single submitter. Criteria: ACMG Guidelines, 2015. Collection method: clinical testing. Allele origin: germline.
Comment: The CLDN1 c.298G>A variant is predicted to result in the amino acid substitution p.Val100Ile. To our knowledge, this variant has not been reported in the literature. This variant is reported in 0.0040% of alleles in individuals of African descent in gnomAD. At this time, the clinical significance of this variant is uncertain due to the absence of conclusive functional and genetic evidence.

Eurofins Ntd Llc (ga)
Classification: Uncertain significance. Last evaluated: 2017-10-17. Review status: criteria provided, single submitter. Criteria: EGL Classification Definitions 2015. Collection method: clinical testing. Allele origin: germline. Observed: 1 variant allele, 1 heterozygote.

NM_021101.5(CLDN1):c.298G>A (p.Val100Ile)

Genes: CLDN1 (claudin 1; minus strand), CLDN16 (claudin 16; plus strand). Cytogenetic location: 3q28.
Variant type: single nucleotide variant.
Coding change: c.298G>A on transcript NM_021101.5 (MANE Select); coding-DNA position 298, G replaced by A.
Protein change: p.Val100Ile; replaces valine 100 with isoleucine.
Molecular consequence: missense variant.
Genome position (GRCh38, 1-based): chr3:190,312,962, C>T on the plus strand (G>A on the coding strand, the complement: CLDN1 is on the minus strand). VCF-style: chr3-190312962-C-T. GRCh37 (hg19) VCF-style: chr3-190030751-C-T.
Other names: c.298G>A (NM_021101.4); short protein forms V100I.
Identifiers: ClinVar variation 594563 (VCV000594563.6), dbSNP rs373107390, ClinGen allele CA2753582.